The following is an entry in ClinVar:

NM_000414.4(HSD17B4):c.1262-2A>G

Gene: HSD17B4 (hydroxysteroid 17-beta dehydrogenase 4; plus strand). Cytogenetic location: 5q23.1.
Variant type: single nucleotide variant.
Coding change: c.1262-2A>G on transcript NM_000414.4 (MANE Select); the canonical splice acceptor site of the intron before coding-DNA position 1262, A replaced by G.
Molecular consequence: splice acceptor variant. On other transcripts: intron variant (1).
Genome position (GRCh38, 1-based): chr5:119,506,816, A>G. VCF-style: chr5-119506816-A-G. GRCh37 (hg19) VCF-style: chr5-118842511-A-G.
Other names: c.851-2A>G (NM_001374503.1, NM_001374502.1, NM_001374501.1); c.1337-2A>G (NM_001199291.3); c.935-2A>G (NM_001374499.1); c.821-2A>G (NM_001374500.1); c.842-2A>G (NM_001292028.2); c.1190-2A>G (NM_001292027.2); c.1262-2325A>G (NM_001374498.1); c.1253-2A>G (NM_001374497.1); and 1 more.
Identifiers: ClinVar variation 1346333 (VCV001346333.6), dbSNP rs1751692890, ClinGen allele CA360868491.

ClinVar aggregate classification (germline): Likely pathogenic (1 of 4 stars; one submission).

Conditions:
Perrault syndrome. Also called: Gonadal dysgenesis with auditory dysfunction, autosomal recessive inheritance. Identifiers: Orphanet 2855, MedGen C0685838, MONDO:0017312.
Bifunctional peroxisomal enzyme deficiency (DBIF). Also called: PBFE DEFICIENCY; DBP DEFICIENCY; D-bifunctional protein deficiency. Identifiers: Orphanet 300, MedGen C0342870, MONDO:0009855, OMIM 261515. Disease mechanism: loss of function.

Submission:

Labcorp Genetics (formerly Invitae), Labcorp
Classification: Likely pathogenic for Perrault syndrome; Bifunctional peroxisomal enzyme deficiency. Last evaluated: 2021-08-03. Review status: criteria provided, single submitter. Criteria: Invitae Variant Classification Sherloc (09022015). Collection method: clinical testing. Allele origin: germline.
Comment: This sequence change affects an acceptor splice site in intron 14 of the HSD17B4 gene. It is expected to disrupt RNA splicing. Variants that disrupt the donor or acceptor splice site typically lead to a loss of protein function (PMID: 16199547), and loss-of-function variants in HSD17B4 are known to be pathogenic (PMID: 11810648, 16385454). This variant is not present in population databases (ExAC no frequency). This variant has not been reported in the literature in individuals affected with HSD17B4-related conditions. Algorithms developed to predict the effect of sequence changes on RNA splicing suggest that this variant may disrupt the consensus splice site. In summary, the currently available evidence indicates that the variant is pathogenic, but additional data are needed to prove that conclusively. Therefore, this variant has been classified as Likely Pathogenic.

Literature cited by the submitters: PubMed 16199547; PubMed 11810648; PubMed 16385454.